The following is an entry in ClinVar:

ClinVar aggregate classification (germline): Benign/Likely benign. Review status: criteria provided, multiple submitters, no conflicts (2 of 4 stars). 4 submissions from 4 submitters: Benign (3); Likely benign (1). Last evaluated 2024-11-27.

Conditions:
Primary ciliary dyskinesia 5. Also called: CILIARY DYSKINESIA, PRIMARY, 5, WITHOUT SITUS INVERSUS. Identifiers: Orphanet 244, MedGen C1837615, MONDO:0012088, OMIM 608647.

Allele frequency attached by ClinVar (database versions not stated): TOPMed 0.36606; ExAC 0.37299; 1000 Genomes Project 30x 0.40162; 1000 Genomes Project 0.40535; gnomAD exomes 0.40012.
gnomAD v4.1: 519,918 of 1,535,590 alleles (34%); highest among the groups gnomAD compares: East Asian, 56%; 91,219 homozygotes.

Submissions (4):

Blueprint Genetics
Classification: Likely benign. Last evaluated: 2024-11-27. Review status: criteria provided, single submitter. Criteria: ACMG Guidelines, 2015. Collection method: clinical testing. Allele origin: germline.

Genome-Nilou Lab
Classification: Benign for Primary ciliary dyskinesia 5. Last evaluated: 2021-08-10. Review status: criteria provided, single submitter. Criteria: ACMG Guidelines, 2015. Collection method: clinical testing. Allele origin: germline. Affected: no.

Laboratory for Molecular Medicine, Mass General Brigham Personalized Medicine
Classification: Benign. Last evaluated: 2016-03-28. Review status: criteria provided, single submitter. Criteria: LMM Criteria. Collection method: clinical testing. Allele origin: germline.
Comment: Variant identified in a genome or exome case(s) and assessed due to predicted null impact of the variant or pathogenic assertions in the literature or databases. Disclaimer: This variant has not undergone full assessment. The following are preliminary notes: Frequency

Breakthrough Genomics
Classification: Benign. Review status: criteria provided, single submitter. Criteria: ACMG Guidelines, 2015. Collection method: not provided. Allele origin: germline. Inheritance: Autosomal recessive inheritance. Affected: yes.

NM_001270974.2(HYDIN):c.-82A>T

Gene: HYDIN (HYDIN axonemal central pair apparatus protein; minus strand). Cytogenetic location: 16q22.2.
Variant type: single nucleotide variant.
Coding change: c.-82A>T on transcript NM_001270974.2 (MANE Select); 82 bases upstream of the start codon, A replaced by T.
Molecular consequence: 5 prime UTR variant. On other transcripts: intron variant (2).
Genome position (GRCh38, 1-based): chr16:71,230,620, T>A on the plus strand (A>T on the coding strand, the complement: HYDIN is on the minus strand). VCF-style: chr16-71230620-T-A. GRCh37 (hg19) VCF-style: chr16-71264523-T-A.
Other names: c.-82A>T (NM_017558.5); c.28+40A>T (NM_001198543.1); c.58+10A>T (NM_001198542.1).
Identifiers: ClinVar variation 402959 (VCV000402959.8), dbSNP rs12449210, ClinGen allele CA8151753.
Genomic context (GRCh38, chr16:71,230,620, plus strand): 5'-ACCTTGGTGCACTCCGGGTCCCACGTTTATTCTACCTCCATTCCCCGCCAAGACCCCGCG[T>A]CCAACTCACAGACCCCGCCGCCGCTGAGGGGCTCCATACCCAGCTTGAAGCCGCCCGCAC-3'